The following is an entry in ClinVar:

ClinVar aggregate classification (germline): Likely benign. Review status: criteria provided, multiple submitters, no conflicts (2 of 4 stars). 4 submissions from 4 submitters: Likely benign (2). 2 of the submissions do not count toward it. Last evaluated 2025-12-28.

Conditions:
Mitochondrial trifunctional protein deficiency. Identifiers: Orphanet 746, MedGen C1969443, MONDO:0012172.
Long chain 3-hydroxyacyl-CoA dehydrogenase deficiency. Also called: Deficiency of long-chain 3-hydroxyacyl-coenzyme A dehydrogenase; LCHAD Deficiency. Identifiers: Orphanet 5, MedGen C3711645, MONDO:0012173, OMIM 609016.
HADHA-related disorder. Also called: HADHA-related condition; HADHA-related disorders.

Allele frequency attached by ClinVar (database versions not stated): gnomAD 0.00009 and 0.00010; ExAC 0.00003; gnomAD exomes 0.00004; ESP Exome Variant Server 0.00008; TOPMed 0.00008.
gnomAD v4.1: 111 of 1,559,410 alleles (0.0071%); highest among the groups gnomAD compares: South Asian, 0.012%; no homozygotes.

Submissions (4):

Labcorp Genetics (formerly Invitae), Labcorp
Classification: Likely benign for Mitochondrial trifunctional protein deficiency; Long chain 3-hydroxyacyl-CoA dehydrogenase deficiency. Last evaluated: 2025-12-28. Review status: criteria provided, single submitter. Criteria: Invitae Variant Classification Sherloc (09022015). Collection method: clinical testing. Allele origin: germline.

ARUP Laboratories, Molecular Genetics and Genomics, ARUP Laboratories
Classification: Likely benign. Last evaluated: 2023-10-18. Review status: criteria provided, single submitter. Criteria: ARUP Molecular Germline Variant Investigation Process 2024. Collection method: clinical testing. Allele origin: germline.

PreventionGenetics, part of Exact Sciences
Classification: Likely benign for HADHA-related condition. Last evaluated: 2020-03-25. Review status: no assertion criteria provided. Collection method: clinical testing. Allele origin: germline. Not counted in ClinVar's aggregate classification.
Comment: This variant is classified as likely benign based on ACMG/AMP sequence variant interpretation guidelines (Richards et al. 2015 PMID: 25741868, with internal and published modifications).

Natera, Inc.
Classification: Uncertain significance for Deficiency of long-chain 3-hydroxyacyl-coenzyme A dehydrogenase. Last evaluated: 2020-03-11. Review status: no assertion criteria provided. Collection method: clinical testing. Allele origin: germline. Not counted in ClinVar's aggregate classification.

NM_000182.5(HADHA):c.810G>A (p.Ala270=)

Gene: HADHA (hydroxyacyl-CoA dehydrogenase trifunctional multienzyme complex subunit alpha; minus strand). Cytogenetic location: 2p23.3.
Variant type: single nucleotide variant.
Coding change: c.810G>A on transcript NM_000182.5 (MANE Select); coding-DNA position 810, G replaced by A.
Protein change: p.Ala270=; no amino-acid change (alanine 270 retained).
Molecular consequence: synonymous variant.
Genome position (GRCh38, 1-based): chr2:26,214,551, C>T on the plus strand (G>A on the coding strand, the complement: HADHA is on the minus strand). VCF-style: chr2-26214551-C-T. GRCh37 (hg19) VCF-style: chr2-26437420-C-T.
Identifiers: ClinVar variation 703159 (VCV000703159.21), dbSNP rs376632479, ClinGen allele CA1559771.